The following is an entry in ClinVar:

ClinVar aggregate classification (germline): Likely pathogenic (1 of 4 stars; one submission).

Conditions:
Fanconi anemia (FA). Also called: Fanconi's anemia. Identifiers: Orphanet 84, MedGen C0015625, MeSH D005199, MONDO:0019391.

Submission:

Women's Health and Genetics/Laboratory Corporation of America, LabCorp
Classification: Likely pathogenic for Fanconi anemia. Last evaluated: 2023-01-05. Review status: criteria provided, single submitter. Criteria: LabCorp Variant Classification Summary - May 2015. Collection method: clinical testing. Allele origin: germline.
Comment: Variant summary: FANCA c.2664delA (p.Ala889ProfsX32) results in a premature termination codon, predicted to cause a truncation of the encoded protein or absence of the protein due to nonsense mediated decay, which are commonly known mechanisms for disease. Truncations downstream of this position have been classified as pathogenic by our laboratory. The variant was absent in 251474 control chromosomes. To our knowledge, no occurrence of c.2664delA in individuals affected with Fanconi Anemia and no experimental evidence demonstrating its impact on protein function have been reported. No clinical diagnostic laboratories have submitted clinical-significance assessments for this variant to ClinVar after 2014. Based on the evidence outlined above, the variant was classified as likely pathogenic.

NM_000135.4(FANCA):c.2664del (p.Ala889fs)

Genes: FANCA (FA complementation group A; minus strand), LOC130059837 (ATAC-STARR-seq lymphoblastoid active region 11420; plus strand). Cytogenetic location: 16q24.3.
Variant type: Deletion.
Coding change: c.2664del on transcript NM_000135.4 (MANE Select); coding-DNA position 2664, one base deleted (A; older notation c.2664delA).
Protein change: p.Ala889fs; shifts the reading frame from alanine 889.
Molecular consequence: frameshift variant.
Genome position (GRCh38, 1-based): chr16:89,765,004, T deleted on the plus strand (A on the coding strand, the reverse complement: FANCA is on the minus strand). VCF-style (leftmost placement, unchanged base first): chr16-89765003-CT-C. GRCh37 (hg19) VCF-style: chr16-89831411-CT-C.
Other names: c.2664del, p.Ala889fs (NM_001286167.3); short protein forms A889fs.
Identifiers: ClinVar variation 2429128 (VCV002429128.4), dbSNP rs2544178473, ClinGen allele CA2580092382.
Genomic context (GRCh38, chr16:89,765,003, plus strand): 5'-AGAGGGCAGCTCTCTGCCAGTCTGCAGAAGGAAGGTGCAAGGGTCTCCAGGAAAGGCTGG[CT>C]ACGTCCTCCTCAGAAAGAGGCTGTCGGGCCTCTGAGAACAATCTGAACATGAGGAACTGA-3'